The following is an entry in ClinVar:

ClinVar aggregate classification (germline): Uncertain significance. Review status: criteria provided, multiple submitters, no conflicts (2 of 4 stars). 2 submissions from 2 submitters: Uncertain significance (2). Last evaluated 2024-12-02.

Conditions:
Intellectual developmental disorder, autosomal dominant 6, with or without seizures. Also called: Intellectual disability, autosomal dominant 6; GRIN2B-related developmental delay, intellectual disability and autism spectrum disorder. Identifiers: Orphanet 589547, MedGen C3151411, MONDO:0013509, OMIM 613970.
Developmental and epileptic encephalopathy, 27 (DEE27). Also called: Epileptic encephalopathy, early infantile, 27; GRIN2B-Related Neurodevelopmental Disorder. Identifiers: Orphanet 3451, MedGen C4015316, MONDO:0014505, OMIM 616139.

Allele frequency attached by ClinVar (database versions not stated): ExAC 0.00001; gnomAD exomes below 0.00001.
gnomAD v4.1: 4 of 1,613,880 alleles (0.00025%); highest among the groups gnomAD compares: Non-Finnish European, 0.00034%; no homozygotes.

Submissions (2):

Labcorp Genetics (formerly Invitae), Labcorp
Classification: Uncertain significance for Developmental and epileptic encephalopathy, 27; Intellectual developmental disorder, autosomal dominant 6, with or without seizures. Last evaluated: 2024-12-02. Review status: criteria provided, single submitter. Criteria: Invitae Variant Classification Sherloc (09022015). Collection method: clinical testing. Allele origin: germline.
Comment: This sequence change replaces asparagine, which is neutral and polar, with histidine, which is basic and polar, at codon 586 of the GRIN2B protein (p.Asn586His). This variant is present in population databases (rs764017577, gnomAD 0.0009%). This variant has not been reported in the literature in individuals affected with GRIN2B-related conditions. ClinVar contains an entry for this variant (Variation ID: 999589). Invitae Evidence Modeling of protein sequence and biophysical properties (such as structural, functional, and spatial information, amino acid conservation, physicochemical variation, residue mobility, and thermodynamic stability) has been performed for this missense variant. However, the output from this modeling did not meet the statistical confidence thresholds required to predict the impact of this variant on GRIN2B protein function. In summary, the available evidence is currently insufficient to determine the role of this variant in disease. Therefore, it has been classified as a Variant of Uncertain Significance.

Blueprint Genetics
Classification: Uncertain significance. Last evaluated: 2024-07-18. Review status: criteria provided, single submitter. Criteria: ACMG Guidelines, 2015. Collection method: clinical testing. Allele origin: germline.

NM_000834.5(GRIN2B):c.1756A>C (p.Asn586His)

Gene: GRIN2B (glutamate ionotropic receptor NMDA type subunit 2B; minus strand). Cytogenetic location: 12p13.1.
Variant type: single nucleotide variant.
Coding change: c.1756A>C on transcript NM_000834.5 (MANE Select); coding-DNA position 1756, A replaced by C.
Protein change: p.Asn586His; replaces asparagine 586 with histidine.
Molecular consequence: missense variant.
Genome position (GRCh38, 1-based): chr12:13,611,749, T>G on the plus strand (A>C on the coding strand, the complement: GRIN2B is on the minus strand). VCF-style: chr12-13611749-T-G. GRCh37 (hg19) VCF-style: chr12-13764683-T-G.
Other names: short protein forms N586H.
Identifiers: ClinVar variation 999589 (VCV000999589.10), dbSNP rs764017577, ClinGen allele CA6461183.